The following is an entry in ClinVar:

NM_000548.5(TSC2):c.5052C>T (p.Ser1684=)

Gene: TSC2 (TSC complex subunit 2; plus strand). Cytogenetic location: 16p13.3.
Variant type: single nucleotide variant.
Coding change: c.5052C>T on transcript NM_000548.5 (MANE Select); coding-DNA position 5052, C replaced by T.
Protein change: p.Ser1684=; no amino-acid change (serine 1684 retained).
Molecular consequence: synonymous variant.
Genome position (GRCh38, 1-based): chr16:2,087,925, C>T. VCF-style: chr16-2087925-C-T. GRCh37 (hg19) VCF-style: chr16-2137926-C-T.
Other names: c.4851C>T, p.Ser1617= (NM_001077183.3); c.4983C>T, p.Ser1661= (NM_001114382.3); c.4743C>T, p.Ser1581= (NM_001318827.2); c.4707C>T, p.Ser1569= (NM_001318829.2); c.4320C>T, p.Ser1440= (NM_001318831.2); c.4884C>T, p.Ser1628= (NM_001318832.2); c.4854C>T, p.Ser1618= (NM_001363528.2); c.4920C>T, p.Ser1640= (NM_001370404.1); and 1 more.
Identifiers: ClinVar variation 759487 (VCV000759487.12), dbSNP rs1596455470, ClinGen allele CA493043623.

ClinVar aggregate classification (germline): Benign/Likely benign. Review status: criteria provided, multiple submitters, no conflicts (2 of 4 stars). 3 submissions from 3 submitters: Benign (1); Likely benign (2). Last evaluated 2025-06-05.

Conditions:
Hereditary cancer-predisposing syndrome. Also called: Tumor predisposition; Hereditary Cancer Syndrome; Neoplastic Syndromes, Hereditary; Hereditary neoplastic syndrome. Identifiers: Orphanet 140162, MedGen C0027672, MeSH D009386, MONDO:0015356.
Tuberous sclerosis 2 (TSC2). Identifiers: Orphanet 805, MedGen C1860707, MONDO:0013199, OMIM 613254.

Submissions (3):

Myriad Genetics, Inc.
Classification: Benign for Tuberous sclerosis 2. Last evaluated: 2025-06-05. Review status: criteria provided, single submitter. Criteria: Myriad Autosomal Dominant, Autosomal Recessive and X-Linked Classification Criteria (2023). Collection method: clinical testing. Allele origin: unknown.
Comment: This variant is considered benign. This variant is a silent/synonymous amino acid change and it is not expected to impact splicing.

Labcorp Genetics (formerly Invitae), Labcorp
Classification: Likely benign for Tuberous sclerosis 2. Last evaluated: 2023-05-10. Review status: criteria provided, single submitter. Criteria: Invitae Variant Classification Sherloc (09022015). Collection method: clinical testing. Allele origin: germline.

Ambry Genetics
Classification: Likely benign for Hereditary cancer-predisposing syndrome. Last evaluated: 2022-03-23. Review status: criteria provided, single submitter. Criteria: Ambry Variant Classification Scheme 2023. Collection method: clinical testing. Allele origin: germline.